The following is an entry in ClinVar:

NM_006206.6(PDGFRA):c.110A>C (p.Lys37Thr)

Gene: PDGFRA (platelet derived growth factor receptor alpha; plus strand). Cytogenetic location: 4q12.
Variant type: single nucleotide variant.
Coding change: c.110A>C on transcript NM_006206.6 (MANE Select); coding-DNA position 110, A replaced by C.
Protein change: p.Lys37Thr; replaces lysine 37 with threonine.
Molecular consequence: missense variant.
Genome position (GRCh38, 1-based): chr4:54,261,155, A>C. VCF-style: chr4-54261155-A-C. GRCh37 (hg19) VCF-style: chr4-55127322-A-C.
Other names: c.110A>C, p.Lys37Thr (NM_001347827.2, NM_001347829.2); c.185A>C, p.Lys62Thr (NM_001347828.2); c.149A>C, p.Lys50Thr (NM_001347830.2); short protein forms K37T, K62T, K50T.
Identifiers: ClinVar variation 3658512 (VCV003658512.2).

ClinVar aggregate classification (germline): Uncertain significance (1 of 4 stars; one submission).

Conditions:
Gastrointestinal stromal tumor. Also called: Gastrointestinal stromal tumor, somatic; Gastrointestinal stroma tumor. Identifiers: Orphanet 44890, MedGen C0238198, MeSH D046152, MONDO:0011719, OMIM 606764, HP:0100723.

Submission:

Labcorp Genetics (formerly Invitae), Labcorp
Classification: Uncertain significance for Gastrointestinal stromal tumor. Last evaluated: 2024-07-02. Review status: criteria provided, single submitter. Criteria: Invitae Variant Classification Sherloc (09022015). Collection method: clinical testing. Allele origin: germline.
Comment: This sequence change replaces lysine, which is basic and polar, with threonine, which is neutral and polar, at codon 37 of the PDGFRA protein (p.Lys37Thr). This variant is not present in population databases (gnomAD no frequency). This variant has not been reported in the literature in individuals affected with PDGFRA-related conditions. Advanced modeling of protein sequence and biophysical properties (such as structural, functional, and spatial information, amino acid conservation, physicochemical variation, residue mobility, and thermodynamic stability) performed at Invitae indicates that this missense variant is not expected to disrupt PDGFRA protein function with a negative predictive value of 80%. In summary, the available evidence is currently insufficient to determine the role of this variant in disease. Therefore, it has been classified as a Variant of Uncertain Significance.